The following is an entry in ClinVar:

NM_001374828.1(ARID1B):c.6369T>C (p.Asp2123=)

Gene: ARID1B (AT-rich interaction domain 1B; plus strand). Cytogenetic location: 6q25.3.
Variant type: single nucleotide variant.
Coding change: c.6369T>C on transcript NM_001374828.1 (MANE Select); coding-DNA position 6369, T replaced by C.
Protein change: p.Asp2123=; no amino-acid change (aspartic acid 2123 retained).
Molecular consequence: synonymous variant.
Genome position (GRCh38, 1-based): chr6:157,207,141, T>C. VCF-style: chr6-157207141-T-C. GRCh37 (hg19) VCF-style: chr6-157528275-T-C.
Other names: c.3870T>C, p.Asp1290= (NM_001363725.2); c.6249T>C, p.Asp2083= (NM_001371656.1, NM_001374820.1); c.6210T>C, p.Asp2070= (NM_017519.3).
Identifiers: ClinVar variation 3898186 (VCV003898186.7).

ClinVar aggregate classification (germline): Likely benign (1 of 4 stars; one submission).

Submission:

CeGaT Center for Human Genetics Tuebingen
Classification: Likely benign. Last evaluated: 2026-07-01. Review status: criteria provided, single submitter. Criteria: CeGaT Center For Human Genetics Tuebingen Variant Classification Criteria Version 2. Collection method: clinical testing. Allele origin: germline. Affected: yes. Observed: 4 variant alleles.
Comment: ARID1B: PM2:Supporting, BP4, BP7